The following is an entry in ClinVar:

ClinVar aggregate classification (germline): Likely benign. Review status: criteria provided, multiple submitters, no conflicts (2 of 4 stars). 2 submissions from 2 submitters: Likely benign (2). Last evaluated 2024-02-23.

Conditions:
Pyruvate carboxylase deficiency. Also called: Pyruvate Carboxylase Deficiency Disease; ATAXIA WITH LACTIC ACIDOSIS II; LEIGH NECROTIZING ENCEPHALOPATHY DUE TO PYRUVATE CARBOXYLASE DEFICIENCY; LEIGH SYNDROME DUE TO PYRUVATE CARBOXYLASE DEFICIENCY; PC DEFICIENCY. Identifiers: Orphanet 3008, MedGen C0034341, MONDO:0009949, OMIM 266150.

Allele frequency attached by ClinVar (database versions not stated): TOPMed 0.00002; gnomAD 0.00003 and 0.00004; gnomAD exomes 0.00005 and 0.00013; ExAC 0.00009; 1000 Genomes Project 30x 0.00016; 1000 Genomes Project 0.00020.
gnomAD v4.1: 81 of 1,612,546 alleles (0.005%); highest among the groups gnomAD compares: East Asian, 0.13%; 1 homozygote.

Submissions (2):

Labcorp Genetics (formerly Invitae), Labcorp
Classification: Likely benign for Pyruvate carboxylase deficiency. Last evaluated: 2024-02-23. Review status: criteria provided, single submitter. Criteria: Invitae Variant Classification Sherloc (09022015). Collection method: clinical testing. Allele origin: germline.

CeGaT Center for Human Genetics Tuebingen
Classification: Likely benign. Last evaluated: 2022-11-01. Review status: criteria provided, single submitter. Criteria: CeGaT Center For Human Genetics Tuebingen Variant Classification Criteria Version 2. Collection method: clinical testing. Allele origin: germline. Affected: yes. Observed: 1 variant allele.
Comment: PC: BP4, BP7

NM_001040716.2(PC):c.2124C>T (p.Gly708=)

Gene: PC (pyruvate carboxylase; minus strand). Cytogenetic location: 11q13.2.
Variant type: single nucleotide variant.
Coding change: c.2124C>T on transcript NM_001040716.2 (MANE Select); coding-DNA position 2124, C replaced by T.
Protein change: p.Gly708=; no amino-acid change (glycine 708 retained).
Molecular consequence: synonymous variant.
Genome position (GRCh38, 1-based): chr11:66,851,139, G>A on the plus strand (C>T on the coding strand, the complement: PC is on the minus strand). VCF-style: chr11-66851139-G-A. GRCh37 (hg19) VCF-style: chr11-66618610-G-A.
Other names: c.2124C>T, p.Gly708= (NM_000920.4, NM_022172.3).
Identifiers: ClinVar variation 737016 (VCV000737016.34), dbSNP rs200488501, ClinGen allele CA6131170.